The following is an entry in ClinVar:

ClinVar aggregate classification (germline): Uncertain significance (1 of 4 stars; one submission).

Conditions:
Hereditary cancer-predisposing syndrome. Also called: Neoplastic Syndromes, Hereditary; Tumor predisposition; Hereditary neoplastic syndrome; Hereditary Cancer Syndrome. Identifiers: Orphanet 140162, MedGen C0027672, MeSH D009386, MONDO:0015356.
Cardiovascular phenotype. Identifiers: MedGen CN230736.

Submission:

Ambry Genetics
Classification: Uncertain significance for Cardiovascular phenotype; Hereditary cancer-predisposing syndrome. Last evaluated: 2024-01-01. Review status: criteria provided, single submitter. Criteria: Ambry Variant Classification Scheme 2023. Collection method: clinical testing. Allele origin: germline.
Comment: The p.E178V variant (also known as c.533A>T), located in coding exon 5 of the NF1 gene, results from an A to T substitution at nucleotide position 533. The glutamic acid at codon 178 is replaced by valine, an amino acid with dissimilar properties. This amino acid position is conserved. In addition, this alteration is predicted to be deleterious by in silico analysis. Since supporting evidence is limited at this time, the clinical significance of this alteration remains unclear.

NM_001042492.3(NF1):c.533A>T (p.Glu178Val)

Gene: NF1 (neurofibromin 1; plus strand). Cytogenetic location: 17q11.2.
Variant type: single nucleotide variant.
Coding change: c.533A>T on transcript NM_001042492.3 (MANE Select); coding-DNA position 533, A replaced by T.
Protein change: p.Glu178Val; replaces glutamic acid 178 with valine.
Molecular consequence: missense variant.
Genome position (GRCh38, 1-based): chr17:31,169,944, A>T. VCF-style: chr17-31169944-A-T. GRCh37 (hg19) VCF-style: chr17-29496962-A-T.
Other names: c.533A>T, p.Glu178Val (NM_000267.4, NM_001128147.3); short protein forms E178V.
Identifiers: ClinVar variation 3237828 (VCV003237828.1), dbSNP rs2544719066.